The following is an entry in ClinVar:

NM_000552.5(VWF):c.2801T>C (p.Ile934Thr)

Gene: VWF (von Willebrand factor; minus strand). Cytogenetic location: 12p13.31.
Variant type: single nucleotide variant.
Coding change: c.2801T>C on transcript NM_000552.5 (MANE Select); coding-DNA position 2801, T replaced by C.
Protein change: p.Ile934Thr; replaces isoleucine 934 with threonine.
Molecular consequence: missense variant.
Genome position (GRCh38, 1-based): chr12:6,031,463, A>G on the plus strand (T>C on the coding strand, the complement: VWF is on the minus strand). VCF-style: chr12-6031463-A-G. GRCh37 (hg19) VCF-style: chr12-6140629-A-G.
Other names: short protein forms I934T.
Identifiers: ClinVar variation 3572158 (VCV003572158.1).
Genomic context (GRCh38, chr12:6,031,463, plus strand): 5'-CACAAAGCGGGACATGAGGGTGGAGATGAGGCTGCACTTACCTCCCCGTCAAACAGCTCA[A>G]TCTCTCCTCCCTCCACCAGGATGGTGACCCGTTTCTTGCATTTCACTGAGGGGTGGCTGC-3'
Protein context (NP_000543.3, residues 924-944): RVTILVEGGE[Ile934Thr]ELFDGEVNVK

ClinVar aggregate classification (germline): Uncertain significance (1 of 4 stars; one submission).

gnomAD v4.1: 22 of 1,613,966 alleles (0.0014%); highest among the groups gnomAD compares: Admixed American, 0.005%; no homozygotes.

Submission:

Quest Diagnostics Nichols Institute San Juan Capistrano
Classification: Uncertain significance. Last evaluated: 2024-03-22. Review status: criteria provided, single submitter. Criteria: Quest Diagnostics criteria. Collection method: clinical testing. Allele origin: unknown.
Comment: The VWF c.2801T>C (p.Ile934Thr) variant has not been reported in individuals with VWF-related conditions in the published literature. The frequency of this variant in the general population, 0.000008 (2/251492 chromosomes (Genome Aggregation Database)), is uninformative in the assessment of its pathogenicity. Analysis of this variant using bioinformatics tools for the prediction of the effect of amino acid changes on protein structure and function yielded predictions that this variant is damaging. Based on the available information, we are unable to determine the clinical significance of this variant.